The following is an entry in ClinVar:

ClinVar aggregate classification (germline): Benign/Likely benign. Review status: criteria provided, multiple submitters, no conflicts (2 of 4 stars). 11 submissions from 11 submitters: Benign (2); Likely benign (5). 4 of the submissions do not count toward it. Last evaluated 2026-01-26.

Conditions:
Tyrosinemia type I (TYRSN1). Also called: Tyrosinemia type 1; Fumarylacetoacetase deficiency; Deficiency of fumarylacetoacetase; FAH DEFICIENCY; HEPATORENAL TYROSINEMIA. Identifiers: Orphanet 882, MedGen C0268490, MONDO:0010161, OMIM 276700. Disease mechanism: loss of function.

Allele frequency attached by ClinVar (database versions not stated): 1000 Genomes Project 30x 0.00047; 1000 Genomes Project 0.00060; TOPMed 0.00206; ESP Exome Variant Server 0.00231; gnomAD 0.00232 and 0.00241; gnomAD exomes 0.00271 and 0.00285; ExAC 0.00363.
gnomAD v4.1: 4,281 of 1,613,538 alleles (0.27%); highest among the groups gnomAD compares: Non-Finnish European, 0.29%; 9 homozygotes.

Submissions (11):

Labcorp Genetics (formerly Invitae), Labcorp
Classification: Likely benign for Tyrosinemia type I. Last evaluated: 2026-01-26. Review status: criteria provided, single submitter. Criteria: Invitae Variant Classification Sherloc (09022015). Collection method: clinical testing. Allele origin: germline.

Mayo Clinic Laboratories, Mayo Clinic
Classification: Benign. Last evaluated: 2025-02-03. Review status: criteria provided, single submitter. Criteria: ACMG Guidelines, 2015. Collection method: clinical testing. Allele origin: germline. Observed: 7 variant alleles.
Comment: BA1, BP4, BP7

Blueprint Genetics
Classification: Likely benign. Last evaluated: 2024-11-19. Review status: criteria provided, single submitter. Criteria: ACMG Guidelines, 2015. Collection method: clinical testing. Allele origin: germline.

CeGaT Center for Human Genetics Tuebingen
Classification: Likely benign. Last evaluated: 2023-02-01. Review status: criteria provided, single submitter. Criteria: CeGaT Center For Human Genetics Tuebingen Variant Classification Criteria Version 2. Collection method: clinical testing. Allele origin: germline. Affected: yes. Observed: 3 variant alleles.
Comment: FAH: BS2

GeneDx
Classification: Likely benign. Last evaluated: 2018-01-17. Review status: criteria provided, single submitter. Criteria: GeneDx Variant Classification (06012015). Collection method: clinical testing. Allele origin: germline. Affected: yes.
Comment: This variant is considered likely benign or benign based on one or more of the following criteria: it is a conservative change, it occurs at a poorly conserved position in the protein, it is predicted to be benign by multiple in silico algorithms, and/or has population frequency not consistent with disease.

Illumina Laboratory Services, Illumina
Classification: Likely benign for Tyrosinemia type I. Last evaluated: 2017-07-23. Review status: criteria provided, single submitter. Criteria: ICSL Variant Classification Criteria 13 December 2019. Collection method: clinical testing. Allele origin: germline.
Comment: This variant was observed as part of a predisposition screen in an ostensibly healthy population. A literature search was performed for the gene, cDNA change, and amino acid change (where applicable). No publications were found based on this search. Allele frequency data from public databases allowed determination this variant is unlikely to cause disease. Therefore, this variant is classified as likely benign.

Eurofins Ntd Llc (ga)
Classification: Benign. Last evaluated: 2016-09-02. Review status: criteria provided, single submitter. Criteria: EGL Classification Definitions 2015. Collection method: clinical testing. Allele origin: germline. Observed: 1 variant allele, 1 heterozygote.

Clinical Genetics DNA and cytogenetics Diagnostics Lab, Erasmus MC, Erasmus Medical Center
Classification: Benign. Review status: no assertion criteria provided. Collection method: clinical testing. Allele origin: germline. Affected: yes. Study: VKGL Data-share Consensus. Not counted in ClinVar's aggregate classification.

Diagnostic Laboratory, Department of Genetics, University Medical Center Groningen
Classification: Likely benign for Tyrosinemia type I. Review status: no assertion criteria provided. Collection method: clinical testing. Allele origin: germline. Affected: yes. Study: VKGL Data-share Consensus. Not counted in ClinVar's aggregate classification.

Genome Diagnostics Laboratory, Amsterdam University Medical Center
Classification: Benign. Review status: no assertion criteria provided. Collection method: clinical testing. Allele origin: germline. Affected: yes. Study: VKGL Data-share Consensus. Not counted in ClinVar's aggregate classification.

Genome Diagnostics Laboratory, University Medical Center Utrecht
Classification: Likely benign. Review status: no assertion criteria provided. Collection method: clinical testing. Allele origin: germline. Affected: yes. Study: VKGL Data-share Consensus. Not counted in ClinVar's aggregate classification.

NM_000137.4(FAH):c.1259G>A (p.Ter420=)

Gene: FAH (fumarylacetoacetate hydrolase; plus strand). Cytogenetic location: 15q25.1.
Variant type: single nucleotide variant.
Coding change: c.1259G>A on transcript NM_000137.4 (MANE Select); coding-DNA position 1259, G replaced by A.
Protein change: p.Ter420=.
Molecular consequence: synonymous variant.
Genome position (GRCh38, 1-based): chr15:80,186,208, G>A. VCF-style: chr15-80186208-G-A. GRCh37 (hg19) VCF-style: chr15-80478550-G-A.
Other names: p.*420=; c.1259G>A (NM_000137.3); c.1259G>A, p.Ter420= (NM_001374377.1, NM_001374380.1).
Identifiers: ClinVar variation 291101 (VCV000291101.51), dbSNP rs61747586, ClinGen allele CA7691536.